The following is an entry in ClinVar:

NM_017780.4(CHD7):c.91G>T (p.Glu31Ter)

Gene: CHD7 (chromodomain helicase DNA binding protein 7; plus strand). Cytogenetic location: 8q12.2.
Variant type: single nucleotide variant.
Coding change: c.91G>T on transcript NM_017780.4 (MANE Select); coding-DNA position 91, G replaced by T.
Protein change: p.Glu31Ter; replaces glutamic acid 31 with a stop codon.
Molecular consequence: nonsense.
Genome position (GRCh38, 1-based): chr8:60,741,523, G>T. VCF-style: chr8-60741523-G-T. GRCh37 (hg19) VCF-style: chr8-61654082-G-T.
Other names: c.91G>T, p.Glu31Ter (NM_001316690.1); short protein forms E31*.
Identifiers: ClinVar variation 2058464 (VCV002058464.4), dbSNP rs2487257832, ClinGen allele CA371295523.
Genomic context (GRCh38, chr8:60,741,523, plus strand): 5'-GGCGAGGATGGGAATATTTTCAGTGAAGGTCTTGAAGGCCTCGGAGAATGTGGTTACCCG[G>T]AAAATCCAGTAAATCCTATGGGTCAGCAAATGCCAATAGACCAAGGCTTTGCCTCTTTAC-3'

ClinVar aggregate classification (germline): Pathogenic (1 of 4 stars; one submission).

Conditions:
CHARGE syndrome (CHARGE). Also called: Hittner Hirsch Kreh syndrome; CHARGE ASSOCIATION--COLOBOMA, HEART ANOMALY, CHOANAL ATRESIA, RETARDATION, GENITAL AND EAR ANOMALIES; Coloboma, heart anomaly, choanal atresia, retardation, genital and ear anomalies; CHARGE association; Hall-Hittner syndrome. Identifiers: Orphanet 138, MedGen C0265354, MONDO:0008965.

Submission:

Labcorp Genetics (formerly Invitae), Labcorp
Classification: Pathogenic for CHARGE syndrome. Last evaluated: 2021-12-24. Review status: criteria provided, single submitter. Criteria: Invitae Variant Classification Sherloc (09022015). Collection method: clinical testing. Allele origin: germline.
Comment: This sequence change creates a premature translational stop signal (p.Glu31*) in the CHD7 gene. It is expected to result in an absent or disrupted protein product. Loss-of-function variants in CHD7 are known to be pathogenic (PMID: 22461308, 25077900). This variant is not present in population databases (gnomAD no frequency). This variant has not been reported in the literature in individuals affected with CHD7-related conditions. For these reasons, this variant has been classified as Pathogenic.

Literature cited by the submitters: PubMed 22461308; PubMed 25077900.